The following is an entry in ClinVar:

ClinVar aggregate classification (germline): Uncertain significance (1 of 4 stars; one submission).

gnomAD v4.1: 19 of 1,613,698 alleles (0.0012%); highest among the groups gnomAD compares: East Asian, 0.0022%; no homozygotes.

Submission:

Women's Health and Genetics/Laboratory Corporation of America, LabCorp
Classification: Uncertain significance. Last evaluated: 2025-05-08. Review status: criteria provided, single submitter. Criteria: LabCorp Variant Classification Summary - May 2015. Collection method: clinical testing. Allele origin: germline.
Comment: Variant summary: ADGRV1 c.4603G>A (p.Glu1535Lys) results in a conservative amino acid change in the encoded protein sequence. Algorithms developed to predict the effect of missense changes on protein structure and function are either unavailable or do not agree on the potential impact of this missense change. The variant was absent in 248802 control chromosomes. The available data on variant occurrences in the general population are insufficient to allow any conclusion about variant significance. To our knowledge, no occurrence of c.4603G>A in individuals affected with ADGRV1-Related Disorders and no experimental evidence demonstrating its impact on protein function have been reported. No submitters have cited clinical-significance assessments for this variant to ClinVar. Based on the evidence outlined above, the variant was classified as uncertain significance.

NM_032119.4(ADGRV1):c.4603G>A (p.Glu1535Lys)

Gene: ADGRV1 (adhesion G protein-coupled receptor V1; plus strand). Cytogenetic location: 5q14.3.
Variant type: single nucleotide variant.
Coding change: c.4603G>A on transcript NM_032119.4 (MANE Select); coding-DNA position 4603, G replaced by A.
Protein change: p.Glu1535Lys; replaces glutamic acid 1535 with lysine.
Molecular consequence: missense variant. On other transcripts: non-coding transcript variant (1).
Genome position (GRCh38, 1-based): chr5:90,658,129, G>A. VCF-style: chr5-90658129-G-A. GRCh37 (hg19) VCF-style: chr5-89953946-G-A.
Other names: short protein forms E1535K.
Identifiers: ClinVar variation 3902379 (VCV003902379.1).